The following is an entry in ClinVar:

NM_000465.4(BARD1):c.2119C>T (p.Pro707Ser)

Gene: BARD1 (BRCA1 associated RING domain 1; minus strand). Cytogenetic location: 2q35.
Variant type: single nucleotide variant.
Coding change: c.2119C>T on transcript NM_000465.4 (MANE Select); coding-DNA position 2119, C replaced by T.
Protein change: p.Pro707Ser; replaces proline 707 with serine.
Molecular consequence: missense variant. On other transcripts: non-coding transcript variant (3).
Genome position (GRCh38, 1-based): chr2:214,728,891, G>A on the plus strand (C>T on the coding strand, the complement: BARD1 is on the minus strand). VCF-style: chr2-214728891-G-A. GRCh37 (hg19) VCF-style: chr2-215593615-G-A.
Other names: c.2062C>T, p.Pro688Ser (NM_001282543.2); c.766C>T, p.Pro256Ser (NM_001282545.2); c.709C>T, p.Pro237Ser (NM_001282548.2); c.580C>T, p.Pro194Ser (NM_001282549.2); short protein forms P707S, P194S, P688S, P237S, P256S.
Identifiers: ClinVar variation 820654 (VCV000820654.16), dbSNP rs1045454971, ClinGen allele CA64792861.

ClinVar aggregate classification (germline): Uncertain significance. Review status: criteria provided, multiple submitters, no conflicts (2 of 4 stars). 2 submissions from 2 submitters: Uncertain significance (2). Last evaluated 2025-08-09.

Conditions:
Familial cancer of breast. Also called: BREAST CANCER, FAMILIAL; Hereditary breast cancer; hereditary breast carcinoma. Identifiers: Orphanet 227535, MedGen C0346153, MONDO:0016419, OMIM 114480. Disease mechanism: loss of function.
Hereditary cancer-predisposing syndrome. Also called: Neoplastic Syndromes, Hereditary; Tumor predisposition; Hereditary Cancer Syndrome; Hereditary neoplastic syndrome. Identifiers: Orphanet 140162, MedGen C0027672, MeSH D009386, MONDO:0015356.

Allele frequency attached by ClinVar (database versions not stated): TOPMed below 0.00001.

Submissions (2):

Ambry Genetics
Classification: Uncertain significance for Hereditary cancer-predisposing syndrome. Last evaluated: 2025-08-09. Review status: criteria provided, single submitter. Criteria: Ambry Variant Classification Scheme 2023. Collection method: clinical testing. Allele origin: germline.
Comment: The p.P707S variant (also known as c.2119C>T), located in coding exon 11 of the BARD1 gene, results from a C to T substitution at nucleotide position 2119. The proline at codon 707 is replaced by serine, an amino acid with similar properties. This amino acid position is highly conserved in available vertebrate species. In addition, the in silico prediction for this alteration is inconclusive. Since supporting evidence is limited at this time, the clinical significance of this alteration remains unclear.

Labcorp Genetics (formerly Invitae), Labcorp
Classification: Uncertain significance for Familial cancer of breast. Last evaluated: 2023-09-04. Review status: criteria provided, single submitter. Criteria: Invitae Variant Classification Sherloc (09022015). Collection method: clinical testing. Allele origin: germline.
Comment: In summary, the available evidence is currently insufficient to determine the role of this variant in disease. Therefore, it has been classified as a Variant of Uncertain Significance. An algorithm developed to predict the effect of missense changes on protein structure and function (PolyPhen-2) suggests that this variant is likely to be disruptive. ClinVar contains an entry for this variant (Variation ID: 820654). This variant has not been reported in the literature in individuals affected with BARD1-related conditions. This variant is not present in population databases (gnomAD no frequency). This sequence change replaces proline, which is neutral and non-polar, with serine, which is neutral and polar, at codon 707 of the BARD1 protein (p.Pro707Ser).